The following is an entry in ClinVar:

NM_001322934.2(NFKB2):c.2186G>A (p.Arg729Gln)

Gene: NFKB2 (nuclear factor kappa B subunit 2; plus strand). Cytogenetic location: 10q24.32.
Variant type: single nucleotide variant.
Coding change: c.2186G>A on transcript NM_001322934.2 (MANE Select); coding-DNA position 2186, G replaced by A.
Protein change: p.Arg729Gln; replaces arginine 729 with glutamine.
Molecular consequence: missense variant.
Genome position (GRCh38, 1-based): chr10:102,401,294, G>A. VCF-style: chr10-102401294-G-A. GRCh37 (hg19) VCF-style: chr10-104161051-G-A.
Other names: c.2186G>A, p.Arg729Gln (NM_001077494.3, NM_001261403.3, NM_001288724.1 and 2 more transcripts); c.2060G>A, p.Arg687Gln (NM_001322935.1); short protein forms R729Q, R687Q.
Identifiers: ClinVar variation 647295 (VCV000647295.10), dbSNP rs201099063, ClinGen allele CA5665012.

ClinVar aggregate classification (germline): Uncertain significance (1 of 4 stars; one submission).

Conditions:
Immunodeficiency, common variable, 10. Also called: DEFICIT IN ANTERIOR PITUITARY FUNCTION AND VARIABLE IMMUNODEFICIENCY; IMMUNODEFICIENCY, COMMON VARIABLE, WITH CENTRAL ADRENAL INSUFFICIENCY. Identifiers: MedGen C3809991, MONDO:0014260, OMIM 615577.

Allele frequency attached by ClinVar (database versions not stated): gnomAD exomes 0.00003 and 0.00004; TOPMed 0.00003; gnomAD 0.00004; ExAC 0.00006.
gnomAD v4.1: 56 of 1,609,978 alleles (0.0035%); highest among the groups gnomAD compares: African/African-American, 0.004%; no homozygotes.

Submission:

Labcorp Genetics (formerly Invitae), Labcorp
Classification: Uncertain significance for Immunodeficiency, common variable, 10. Last evaluated: 2025-10-09. Review status: criteria provided, single submitter. Criteria: Invitae Variant Classification Sherloc (09022015). Collection method: clinical testing. Allele origin: germline.
Comment: This sequence change replaces arginine, which is basic and polar, with glutamine, which is neutral and polar, at codon 729 of the NFKB2 protein (p.Arg729Gln). This variant is present in population databases (rs201099063, gnomAD 0.008%). This variant has not been reported in the literature in individuals affected with NFKB2-related conditions. ClinVar contains an entry for this variant (Variation ID: 647295). An algorithm developed to predict the effect of missense changes on protein structure and function (PolyPhen-2) suggests that this variant is likely to be tolerated. In summary, the available evidence is currently insufficient to determine the role of this variant in disease. Therefore, it has been classified as a Variant of Uncertain Significance.